The following is an entry in ClinVar:

ClinVar aggregate classification (germline): Uncertain significance (1 of 4 stars; one submission).

Conditions:
Kabuki syndrome. Also called: NIIKAWA-KUROKI SYNDROME; Kabuki make-up syndrome. Identifiers: Orphanet 2322, MedGen C0796004, MONDO:0016512.

Submission:

Labcorp Genetics (formerly Invitae), Labcorp
Classification: Uncertain significance for Kabuki syndrome. Last evaluated: 2024-05-22. Review status: criteria provided, single submitter. Criteria: Invitae Variant Classification Sherloc (09022015). Collection method: clinical testing. Allele origin: germline.
Comment: This sequence change replaces phenylalanine, which is neutral and non-polar, with isoleucine, which is neutral and non-polar, at codon 2729 of the KMT2D protein (p.Phe2729Ile). This variant is not present in population databases (gnomAD no frequency). This variant has not been reported in the literature in individuals affected with KMT2D-related conditions. Advanced modeling of protein sequence and biophysical properties (such as structural, functional, and spatial information, amino acid conservation, physicochemical variation, residue mobility, and thermodynamic stability) performed at Invitae indicates that this missense variant is not expected to disrupt KMT2D protein function with a negative predictive value of 95%. In summary, the available evidence is currently insufficient to determine the role of this variant in disease. Therefore, it has been classified as a Variant of Uncertain Significance.

NM_003482.4(KMT2D):c.8185T>A (p.Phe2729Ile)

Gene: KMT2D (lysine methyltransferase 2D; minus strand). Cytogenetic location: 12q13.12.
Variant type: single nucleotide variant.
Coding change: c.8185T>A on transcript NM_003482.4 (MANE Select); coding-DNA position 8185, T replaced by A.
Protein change: p.Phe2729Ile; replaces phenylalanine 2729 with isoleucine.
Molecular consequence: missense variant.
Genome position (GRCh38, 1-based): chr12:49,039,479, A>T on the plus strand (T>A on the coding strand, the complement: KMT2D is on the minus strand). VCF-style: chr12-49039479-A-T. GRCh37 (hg19) VCF-style: chr12-49433262-A-T.
Other names: short protein forms F2729I.
Identifiers: ClinVar variation 3635135 (VCV003635135.2).